The following is an entry in ClinVar:

NM_018368.4(LMBRD1):c.763-6_771del

Gene: LMBRD1 (LMBR1 domain containing 1; minus strand). Cytogenetic location: 6q13.
Variant type: Deletion.
Coding change: c.763-6_771del on transcript NM_018368.4 (MANE Select); 6 bases into the intron before coding-DNA position 763 through coding-DNA position 771, 15 bases deleted (TTGCAGAGCAAAGAT).
Molecular consequence: splice acceptor variant.
Genome position (GRCh38, 1-based): chr6:69,713,789-69,713,803, ATCTTTGCTCTGCAA deleted on the plus strand (TTGCAGAGCAAAGAT on the coding strand, the reverse complement: LMBRD1 is on the minus strand); deleting any 15 consecutive bases within chr6:69,713,789-69,713,805 gives the same sequence; the c. name uses the placement nearest the transcript's 3' end. VCF-style (leftmost placement, unchanged base first): chr6-69713788-CATCTTTGCTCTGCAA-C. GRCh37 (hg19) VCF-style: chr6-70423680-CATCTTTGCTCTGCAA-C.
Other names: c.544-6_552del (NM_001367272.1, NM_001367271.1, NM_001363722.2).
Identifiers: ClinVar variation 2768325 (VCV002768325.3), dbSNP rs2481328299, ClinGen allele CA2697553558.

ClinVar aggregate classification (germline): Likely pathogenic (1 of 4 stars; one submission).

Conditions:
Methylmalonic aciduria and homocystinuria type cblF. Also called: VITAMIN B12 LYSOSOMAL RELEASE DEFECT; VITAMIN B12 STORAGE DISEASE; COBALAMIN F DISEASE; COBALAMIN, DEFECT IN LYSOSOMAL RELEASE OF; METHYLMALONIC ACIDEMIA AND HOMOCYSTINURIA, cblF TYPE; METHYLMALONIC ACIDURIA DUE TO VITAMIN B12-RELEASE DEFECT. Identifiers: Orphanet 79284, MedGen C1848578, MONDO:0010183, OMIM 277380.

Submission:

Labcorp Genetics (formerly Invitae), Labcorp
Classification: Likely pathogenic for Methylmalonic aciduria and homocystinuria type cblF. Last evaluated: 2023-10-14. Review status: criteria provided, single submitter. Criteria: Invitae Variant Classification Sherloc (09022015). Collection method: clinical testing. Allele origin: germline.
Comment: This variant results in the deletion of part of exon 9 (c.763-6_771del) of the LMBRD1 gene. It is expected to disrupt RNA splicing. Variants that disrupt the donor or acceptor splice site typically lead to a loss of protein function (PMID: 16199547), and loss-of-function variants in LMBRD1 are known to be pathogenic (PMID: 19136951, 21303734). This variant is not present in population databases (gnomAD no frequency). This variant has not been reported in the literature in individuals affected with LMBRD1-related conditions. In summary, the currently available evidence indicates that the variant is pathogenic, but additional data are needed to prove that conclusively. Therefore, this variant has been classified as Likely Pathogenic.

Literature cited by the submitters: PubMed 16199547; PubMed 19136951; PubMed 21303734.